The following is an entry in ClinVar:

ClinVar aggregate classification (germline): Uncertain significance (1 of 4 stars; one submission).

Conditions:
Long QT syndrome (LQTS). Identifiers: MedGen C0023976, MeSH D008133, MONDO:0002442. Disease mechanism: loss of function. Inheritance: Various modes of inheritance.

Submission:

Labcorp Genetics (formerly Invitae), Labcorp
Classification: Uncertain significance for Long QT syndrome. Last evaluated: 2025-08-11. Review status: criteria provided, single submitter. Criteria: Invitae Variant Classification Sherloc (09022015). Collection method: clinical testing. Allele origin: germline.
Comment: This sequence change replaces valine, which is neutral and non-polar, with alanine, which is neutral and non-polar, at codon 36 of the KCNH2 protein (p.Val36Ala). This variant is not present in population databases (gnomAD no frequency). This variant has not been reported in the literature in individuals affected with KCNH2-related conditions. An algorithm developed to predict the effect of missense changes on protein structure and function (PolyPhen-2) suggests that this variant is likely to be tolerated. In summary, the available evidence is currently insufficient to determine the role of this variant in disease. Therefore, it has been classified as a Variant of Uncertain Significance.

NM_000238.4(KCNH2):c.107T>C (p.Val36Ala)

Gene: KCNH2 (potassium voltage-gated channel subfamily H member 2; minus strand). Cytogenetic location: 7q36.1.
Variant type: single nucleotide variant.
Coding change: c.107T>C on transcript NM_000238.4 (MANE Select); coding-DNA position 107, T replaced by C.
Protein change: p.Val36Ala; replaces valine 36 with alanine.
Molecular consequence: missense variant. On other transcripts: 5 prime UTR variant (1), non-coding transcript variant (1).
Genome position (GRCh38, 1-based): chr7:150,974,911, A>G on the plus strand (T>C on the coding strand, the complement: KCNH2 is on the minus strand). VCF-style: chr7-150974911-A-G. GRCh37 (hg19) VCF-style: chr7-150671999-A-G.
Other names: c.-71T>C (NM_001406755.1); c.107T>C, p.Val36Ala (NM_172056.3); short protein forms V36A.
Identifiers: ClinVar variation 4762326 (VCV004762326.1).
Genomic context (GRCh38, chr7:150,974,911, plus strand): 5'-CGCGAGTAGCCGCACAGCTCGCAGAAGCCGTCGTTGCAGTAGATGACGGCGCAGTTCTCC[A>G]CCCGAGCGTTGGCGATGATGAACTTACGGCCTAGGGGGGCGGGGAGGAGAGTGCGCGTGA-3'
Protein context (NP_000229.1, residues 26-46): SRKFIIANAR[Val36Ala]ENCAVIYCND